The following is an entry in ClinVar:

ClinVar aggregate classification (germline): Conflicting classifications of pathogenicity. Review status: criteria provided, conflicting classifications (1 of 4 stars). 8 submissions from 8 submitters: Pathogenic (1); Likely pathogenic (5); Uncertain significance (2). Last evaluated 2026-07-30.

Conditions:
Obesity due to leptin receptor gene deficiency. Identifiers: Orphanet 179494, MedGen C3554225, MONDO:0013992, OMIM 614963.
LEPR-related disorder. Also called: LEPR-related condition; LEPR-related disorders.
Early onset severe obesity. Identifiers: MedGen C4013980.

Allele frequency attached by ClinVar (database versions not stated): ESP Exome Variant Server 0.00015; ExAC 0.00031; gnomAD 0.00036; TOPMed 0.00036; gnomAD exomes 0.00038; 1000 Genomes Project 0.00100; 1000 Genomes Project 30x 0.00109.
gnomAD v4.1: 625 of 1,614,184 alleles (0.039%); highest among the groups gnomAD compares: Admixed American, 0.1%; 2 homozygotes.

Submissions (8):

PreventionGenetics, part of Exact Sciences
Classification: Uncertain significance for LEPR-related condition. Last evaluated: 2026-07-30. Review status: criteria provided, single submitter. Criteria: ACMG Guidelines, 2015. Collection method: clinical testing. Allele origin: germline.
Comment: The LEPR c.1835G>A variant is predicted to result in the amino acid substitution p.Arg612His. This variant has been reported in the homozygous state and with a second LEPR variant in individuals with severe early-onset obesity (see, for example: Farooqi et al. 2007. PubMed ID: 17229951; Albuquerque et al. 2014. PubMed ID: 24611737; Wabitsch et al. 2022. PubMed ID: 35528826). This variant has also been reported in individuals with severe obesity who do not carry a second LEPR variant (Table S1, Kleinendorst et al. 2018. PubMed ID: 29970488; Voigtmann et al. 2021. PubMed ID: 33221380). Of note, one compound heterozygous patient treated with setmelanotide did not experience weight loss (Wabitsch et al. 2022. PubMed ID: 35528826). This variant is reported in 0.082% of alleles in individuals of Latino descent in gnomAD v2, which is more common than expected for a disease-causing LEPR variant. Two homozygous individuals are also reported in gnomAD v4 (available only on GRCh38). The results of in vitro experimental studies of this variant are conflicting (see, for example: Farooqi et al. 2007. PubMed ID: 17229951; Kimber et al. 2008. PubMed ID: 18703626; Voigtmann et al. 2021. PubMed ID: 33221380; Shah et al. 2023. PubMed ID: 36864747). Although we suspect that this variant may be pathogenic, the clinical significance of this variant is classified as uncertain at this time due to insufficient functional and genetic evidence.

Labcorp Genetics (formerly Invitae), Labcorp
Classification: Likely pathogenic. Last evaluated: 2026-01-04. Review status: criteria provided, single submitter. Criteria: Invitae Variant Classification Sherloc (09022015). Collection method: clinical testing. Allele origin: germline.
Comment: This sequence change replaces arginine, which is basic and polar, with histidine, which is basic and polar, at codon 612 of the LEPR protein (p.Arg612His). This variant is present in population databases (rs144159890, gnomAD 0.08%). This missense change has been observed in individual(s) with leptin receptor deficiency (PMID: 17229951, 24611737). In at least one individual the data is consistent with being in trans (on the opposite chromosome) from a pathogenic variant. ClinVar contains an entry for this variant (Variation ID: 631614). Invitae Evidence Modeling of protein sequence and biophysical properties (such as structural, functional, and spatial information, amino acid conservation, physicochemical variation, residue mobility, and thermodynamic stability) indicates that this missense variant is expected to disrupt LEPR protein function with a positive predictive value of 80%. Experimental studies are conflicting or provide insufficient evidence to determine the effect of this variant on LEPR function (PMID: 18703626, 33221380, 39561769). This variant disrupts the p.Arg612 amino acid residue in LEPR. Other variant(s) that disrupt this residue have been observed in individuals with LEPR-related conditions (PMID: 17229951, 24611737, 37140700), which suggests that this may be a clinically significant amino acid residue. In summary, the currently available evidence indicates that the variant is pathogenic, but additional data are needed to prove that conclusively. Therefore, this variant has been classified as Likely Pathogenic.

Cambridge Genomics Laboratory, East Genomic Laboratory Hub, NHS Genomic Medicine Service
Classification: Likely pathogenic for Severe early-onset obesity. Last evaluated: 2025-04-23. Review status: criteria provided, single submitter. Criteria: ACGS Best Practice Guidelines for Variant Classification in Rare Disease 2020. Collection method: clinical testing. Allele origin: germline. Affected: yes.
Comment: The missense variant in the c.1835G>A p.(Arg612His) in the LEPR gene has been reported in a homozygous state in one individual with childhood-onset morbid obesity and in a compound heterozygous state with another (likely) pathogenic variant in 3 other individuals with childhood-onset morbid obesity and hyperphagia (Farooqi et al. 2007, Science 317:1355; Albuquerque et al. 2014, Ann Hum Genet 78:195; Zorn et al. 2022 Appetite 178:106161). Functional studies conducted in HEK293 cells showed that this variant, which is located in the leptin binding domain, results in slightly reduced surface expression compared to the wild type protein. In addition, leptin binding and downstream signaling, as measured by STAT3, JAK2, and ERK1/2 phosphorylation, was impaired but not abolished (Voigtmann et al. 2020, Metabolism 116:154438; Kimber et al. 2008, Endocrinology 149:6043).

Blueprint Genetics
Classification: Uncertain significance. Last evaluated: 2024-11-13. Review status: criteria provided, single submitter. Criteria: ACMG Guidelines, 2015. Collection method: clinical testing. Allele origin: germline.

Revvity Omics, Revvity
Classification: Likely pathogenic for Obesity due to leptin receptor gene deficiency. Last evaluated: 2024-03-27. Review status: criteria provided, single submitter. Criteria: ACMG Guidelines, 2015. Collection method: clinical testing. Allele origin: germline.

3billion
Classification: Pathogenic for Obesity due to leptin receptor gene deficiency. Last evaluated: 2022-05-22. Review status: criteria provided, single submitter. Criteria: ACMG Guidelines, 2015. Collection method: clinical testing. Allele origin: germline. Affected: yes. Observed: 1 heterozygote.
Comment: The variant is observed at an extremely low frequency in the gnomAD v2.1.1 dataset (total allele frequency: 0.035%). Functional studies provide strong evidence of the variant having a damaging effect on the gene or gene product (PMID:17229951, 18703626). In silico tool predictions suggest damaging effect of the variant on gene or gene product (REVEL: 0.56; 3Cnet: 0.86). Same nucleotide change resulting in same amino acid change has been previously reported as pathogenic/likely pathogenic with strong evidence (ClinVar ID: VCV000631614). The variant has been reported to be in trans with a pathogenic variant as either compound heterozygous or homozygous in at least one similarly affected unrelated individual (PMID: 24611737). Therefore, this variant is classified as pathogenic according to the recommendation of ACMG/AMP guideline.

Athena Diagnostics
Classification: Likely pathogenic. Last evaluated: 2020-05-04. Review status: criteria provided, single submitter. Criteria: Athena Diagnostics Criteria. Collection method: clinical testing. Allele origin: unknown.
Comment: The frequency of this variant in the general population is consistent with pathogenicity. Found in at least one patient with expected phenotype for this gene. Predicted to have a damaging effect on the protein. Assessment of experimental evidence suggests this variant results in abnormal protein function. Inconclusive segregation with disease.

Illumina Laboratory Services, Illumina
Classification: Likely pathogenic for LEPR-Related Disorders. Last evaluated: 2018-08-16. Review status: criteria provided, single submitter. Criteria: ICSL Variant Classification Criteria 09 May 2019. Collection method: clinical testing. Allele origin: germline.
Comment: The LEPR c.1835G>A (p.Arg612His) missense variant has been reported in at least four studies in which it was found in a total of three individuals, two of whom are related, with severe childhood onset obesity. Specifically, the variant was reported in a homozygous state in one individual with childhood-onset morbid obesity, a family history of obesity with no variants found in the MC4R gene, and in a compound heterozygous state with a frameshift variant in a second individual with childhood-onset morbid obesity and hyperphagia (Farooqi et al. 2007; Albuquerque et al. 2014). The p.Arg612His variant was also reported in a heterozygous state in a third individual with severe obesity in whom a second variant was not identified, although only the leptin binding domain of the LEPR gene was sequenced (Branson et al. 2003; Potoczna et al. 2004). The variant was absent from 352 control alleles (Branson et al. 2003; Farooqi et al. 2007; Aloraifi et al. 2015) but is reported at a frequency of 0.004323 in the American population of the 1000 Genomes Project. Functional studies conducted in HEK293 cells showed that the p.Arg612His variant, which is located in the leptin binding domain, results in slightly reduced surface expression compared to the wild type protein. In addition, leptin binding and downstream signaling, as measured by STAT3, JAK2, and ERK1/2 phosphorylation, was impaired but not abolished (Farooqi et al. 2007; Kimber et al. 2008). Additionally, multiple in silico tools predict the p.Arg612His variant to have a deleterious effect. Based on the collective evidence, the p.Arg612His variant is classified as likely pathogenic for LEPR-related disorders. This variant was observed by ICSL as part of a predisposition screen in an ostensibly healthy population.

Literature cited by the submitters: PubMed 17229951 (cited by 4 submitters); PubMed 24611737 (cited by 4 submitters); PubMed 18703626 (cited by 4 submitters); PubMed 33221380 (cited by Labcorp Genetics (formerly Invitae), Labcorp); PubMed 39561769 (cited by Labcorp Genetics (formerly Invitae), Labcorp); PubMed 37140700 (cited by Labcorp Genetics (formerly Invitae), Labcorp); PubMed 15585384 (cited by Athena Diagnostics and Illumina Laboratory Services, Illumina); PubMed 26094658 (cited by Athena Diagnostics and Illumina Laboratory Services, Illumina); PubMed 31237021 (cited by Athena Diagnostics); PubMed 29970488 (cited by Athena Diagnostics); PubMed 12646666 (cited by Athena Diagnostics and Illumina Laboratory Services, Illumina).

NM_002303.6(LEPR):c.1835G>A (p.Arg612His)

Gene: LEPR (leptin receptor; plus strand). Cytogenetic location: 1p31.3.
Variant type: single nucleotide variant.
Coding change: c.1835G>A on transcript NM_002303.6 (MANE Select); coding-DNA position 1835, G replaced by A.
Protein change: p.Arg612His; replaces arginine 612 with histidine.
Molecular consequence: missense variant.
Genome position (GRCh38, 1-based): chr1:65,610,029, G>A. VCF-style: chr1-65610029-G-A. GRCh37 (hg19) VCF-style: chr1-66075712-G-A.
Other names: c.1835G>A, p.Arg612His (NM_001003679.3, NM_001003680.3, NM_001198687.2 and 2 more transcripts); short protein forms R612H.
Identifiers: ClinVar variation 631614 (VCV000631614.19), dbSNP rs144159890, ClinGen allele CA894878.
Genomic context (GRCh38, chr1:65,610,029, plus strand): 5'-AATCAAAATCTGTCAGTCTCCCAGTTCCAGACTTGTGTGCAGTCTATGCTGTTCAGGTGC[G>A]CTGTAAGAGGCTAGATGGACTGGGATATTGGAGTAATTGGAGCAATCCAGCCTACACAGT-3'
Protein context (NP_002294.2, residues 602-622): DLCAVYAVQV[Arg612His]CKRLDGLGYW